The following is an entry in ClinVar:

NM_025114.4(CEP290):c.3203A>G (p.Asn1068Ser)

Gene: CEP290 (centrosomal protein 290; minus strand). Cytogenetic location: 12q21.32.
Variant type: single nucleotide variant.
Coding change: c.3203A>G on transcript NM_025114.4 (MANE Select); coding-DNA position 3203, A replaced by G.
Protein change: p.Asn1068Ser; replaces asparagine 1068 with serine.
Molecular consequence: missense variant.
Genome position (GRCh38, 1-based): chr12:88,093,876, T>C on the plus strand (A>G on the coding strand, the complement: CEP290 is on the minus strand). VCF-style: chr12-88093876-T-C. GRCh37 (hg19) VCF-style: chr12-88487653-T-C.
Other names: c.3203A>G (NM_025114.3); short protein forms N1068S.
Identifiers: ClinVar variation 1420572 (VCV001420572.10), dbSNP rs1276779845, ClinGen allele CA386006196.

ClinVar aggregate classification (germline): Uncertain significance. Review status: criteria provided, multiple submitters, no conflicts (2 of 4 stars). 3 submissions from 3 submitters: Uncertain significance (3). Last evaluated 2024-11-26.

Conditions:
Bardet-Biedl syndrome 14 (BBS14). Identifiers: Orphanet 110, MedGen C2673874, MONDO:0014442, OMIM 615991.
Joubert syndrome 5 (JBTS5). Identifiers: Orphanet 2318, MedGen C1857780, MONDO:0012432, OMIM 610188.
Senior-Loken syndrome 6 (SLSN6). Identifiers: Orphanet 3156, MedGen C1857779, MONDO:0012433, OMIM 610189.
Meckel syndrome, type 4 (MKS4). Also called: MECKEL-GRUBER SYNDROME, TYPE 4. Identifiers: Orphanet 564, MedGen C1970161, MONDO:0012626, OMIM 611134.
Leber congenital amaurosis 10 (LCA10). Identifiers: Orphanet 65, MedGen C1857821, MONDO:0012723, OMIM 611755.
CEP290-related disorder. Also called: CEP290-related condition; CEP290-related disorders. Identifiers: MedGen CN239314.
Nephronophthisis. Also called: Juvenile Nephronophthisis. Identifiers: Orphanet 655, MedGen C0687120, MONDO:0019005, HP:0000090.
Meckel-Gruber syndrome. Also called: DYSENCEPHALIA SPLANCHNOCYSTICA; GRUBER SYNDROME; Dysencephalia splachnocystica. Identifiers: Orphanet 564, MedGen C0265215, MONDO:0018921.
Joubert syndrome. Also called: JOUBERT-BOLTSHAUSER SYNDROME; Familial aplasia of the vermis. Identifiers: Orphanet 475, MedGen C5979921, MONDO:0018772.

Allele frequency attached by ClinVar (database versions not stated): gnomAD exomes 0.00001.
gnomAD v4.1: 4 of 1,613,038 alleles (0.00025%); highest among the groups gnomAD compares: Admixed American, 0.0067%; no homozygotes.

Submissions (3):

PreventionGenetics, part of Exact Sciences
Classification: Uncertain significance for CEP290-related condition. Last evaluated: 2024-11-26. Review status: criteria provided, single submitter. Criteria: ACMG Guidelines, 2015. Collection method: clinical testing. Allele origin: germline.
Comment: The CEP290 c.3203A>G variant is predicted to result in the amino acid substitution p.Asn1068Ser. To our knowledge, this variant has not been reported in the literature. This variant is reported in 0.0087% of alleles in individuals of Latino descent in gnomAD. At this time, the clinical significance of this variant is uncertain due to the absence of conclusive functional and genetic evidence.

Labcorp Genetics (formerly Invitae), Labcorp
Classification: Uncertain significance for Joubert syndrome; Meckel-Gruber syndrome; Nephronophthisis. Last evaluated: 2022-03-06. Review status: criteria provided, single submitter. Criteria: Invitae Variant Classification Sherloc (09022015). Collection method: clinical testing. Allele origin: germline.
Comment: This sequence change replaces asparagine, which is neutral and polar, with serine, which is neutral and polar, at codon 1068 of the CEP290 protein (p.Asn1068Ser). This variant is present in population databases (no rsID available, gnomAD 0.009%). This variant has not been reported in the literature in individuals affected with CEP290-related conditions. Algorithms developed to predict the effect of missense changes on protein structure and function are either unavailable or do not agree on the potential impact of this missense change (SIFT: "Tolerated"; PolyPhen-2: "Probably Damaging"; Align-GVGD: "Class C0"). In summary, the available evidence is currently insufficient to determine the role of this variant in disease. Therefore, it has been classified as a Variant of Uncertain Significance.

Fulgent Genetics
Classification: Uncertain significance for Joubert syndrome 5; Senior-Loken syndrome 6; Meckel syndrome, type 4; Leber congenital amaurosis 10; Bardet-Biedl syndrome 14. Last evaluated: 2021-08-27. Review status: criteria provided, single submitter. Criteria: ACMG Guidelines, 2015. Collection method: clinical testing. Allele origin: unknown.